The following is an entry in ClinVar:

ClinVar aggregate classification (germline): Pathogenic (1 of 4 stars; one submission).

Conditions:
Spastic paraplegia. Identifiers: MedGen C0037772, HP:0001258.

Submission:

Labcorp Genetics (formerly Invitae), Labcorp
Classification: Pathogenic for Spastic paraplegia. Last evaluated: 2023-12-13. Review status: criteria provided, single submitter. Criteria: Invitae Variant Classification Sherloc (09022015). Collection method: clinical testing. Allele origin: germline.
Comment: This sequence change creates a premature translational stop signal (p.Lys423*) in the CYP7B1 gene. While this is not anticipated to result in nonsense mediated decay, it is expected to disrupt the last 84 amino acid(s) of the CYP7B1 protein. This variant is not present in population databases (gnomAD no frequency). This variant has not been reported in the literature in individuals affected with CYP7B1-related conditions. This variant disrupts a region of the CYP7B1 protein in which other variant(s) (p.Arg486Cys) have been determined to be pathogenic (PMID: 19439420, 21623769, 23812641, 24117163). This suggests that this is a clinically significant region of the protein, and that variants that disrupt it are likely to be disease-causing. For these reasons, this variant has been classified as Pathogenic.

Literature cited by the submitters: PubMed 19439420; PubMed 21623769; PubMed 23812641; PubMed 24117163.

NM_004820.5(CYP7B1):c.1266dup (p.Lys423Ter)

Gene: CYP7B1 (cytochrome P450 family 7 subfamily B member 1; minus strand). Cytogenetic location: 8q12.3.
Variant type: Duplication.
Coding change: c.1266dup on transcript NM_004820.5 (MANE Select); coding-DNA position 1266, one base duplicated (T; older notation c.1266dupT).
Protein change: p.Lys423Ter; replaces lysine 423 with a stop codon.
Molecular consequence: nonsense. On other transcripts: intron variant (1).
Genome position (GRCh38, 1-based): chr8:64,596,897, A duplicated on the plus strand (T on the coding strand, the reverse complement: CYP7B1 is on the minus strand). VCF-style (leftmost placement, unchanged base first): chr8-64596896-T-TA. GRCh37 (hg19) VCF-style: chr8-65509453-T-TA.
Other names: c.1234-7053dup (NM_001324112.2); short protein forms K423*.
Identifiers: ClinVar variation 2875581 (VCV002875581.3), dbSNP rs2487153916, ClinGen allele CA2739268810.